The following is an entry in ClinVar:

ClinVar aggregate classification (germline): Pathogenic/Likely pathogenic. Review status: criteria provided, multiple submitters, no conflicts (2 of 4 stars). 6 submissions from 6 submitters: Pathogenic (5); Likely pathogenic (1). Last evaluated 2026-02-24.

Conditions:
Inherited ovarian cancer (without breast cancer).
Hereditary cancer-predisposing syndrome. Also called: Hereditary Cancer Syndrome; Neoplastic Syndromes, Hereditary; Hereditary neoplastic syndrome; Tumor predisposition. Identifiers: Orphanet 140162, MedGen C0027672, MeSH D009386, MONDO:0015356.
Hereditary breast ovarian cancer syndrome. Also called: Hereditary breast and ovarian cancer syndrome (HBOC); Breast and ovarian cancer; Hereditary breast and ovarian cancer syndrome; Hereditary breast and ovarian cancer; BRCA1- and BRCA2-Associated Hereditary Breast and Ovarian Cancer; Hereditary breast and/or ovarian cancer syndrome. Identifiers: Orphanet 145, MedGen C0677776, MeSH D061325, MONDO:0003582. Disease mechanism: loss of function.

Submissions (7):

Genetics Laboratory, Great Ormond Street Hospital NHS Foundation Trust, North Thames Genomic Laboratory Hub
Classification: Pathogenic for Inherited ovarian cancer (without breast cancer). Last evaluated: 2026-02-24. Review status: criteria provided, single submitter. Criteria: CanVIG BRCA Gene Specific V1.22. Collection method: clinical testing. Allele origin: germline. Affected: yes.
Comment: PM2_moderate, PVS1_very-strong

Ambry Genetics
Classification: Pathogenic for Hereditary cancer-predisposing syndrome. Last evaluated: 2024-10-29. Review status: criteria provided, single submitter. Criteria: Ambry Variant Classification Scheme 2023. Collection method: clinical testing. Allele origin: germline.
Comment: The c.135-1G>A intronic pathogenic mutation results from a G to A substitution one nucleotide upstream from coding exon 3 of the BRCA1 gene. One functional study found that this nucleotide substitution is non-functional in a high throughput genome editing haploid cell survival assay (Findlay GM et al. Nature, 2018 Oct;562:217-222). This nucleotide position is highly conserved in available vertebrate species. In silico splice site analysis predicts that this alteration will weaken the native splice acceptor site. This variant is considered to be rare based on population cohorts in the Genome Aggregation Database (gnomAD). Alterations that disrupt the canonical splice site are expected to cause aberrant splicing, resulting in an abnormal protein or a transcript that is subject to nonsense-mediated mRNA decay. Based on the supporting evidence, this variant is interpreted as a disease-causing mutation.

Women's Health and Genetics/Laboratory Corporation of America, LabCorp
Classification: Pathogenic for Hereditary breast ovarian cancer syndrome. Last evaluated: 2023-04-17. Review status: criteria provided, single submitter. Criteria: LabCorp Variant Classification Summary - May 2015. Collection method: clinical testing. Allele origin: germline.
Comment: Variant summary: BRCA1 c.135-1G>A is located in a canonical splice-site and is predicted to affect mRNA splicing resulting in a significantly altered protein due to either exon skipping, shortening, or inclusion of intronic material. Several computational tools predict a significant impact on normal splicing: Four predict the variant abolishes a canonical 3' splice acceptor site. The variant was absent in 248910 control chromosomes. c.135-1G>A has been reported in the literature in an individual affected with Hereditary Breast And Ovarian Cancer Syndrome (Carter_2018). At least one functional study reports experimental evidence evaluating an impact on protein function and showed a damaging effect of this variant on homology directed repair (HDR) activity (Findlay_2018). HDR assays qualify as a recognized gold standard on the basis of updated guidance provided by the ClinGen Sequence Variant Interpretation (SVI) working group. Three submitters have provided clinical-significance assessments for this variant to ClinVar after 2014, and classified the variant as pathogenic/likely pathogenic. Based on the evidence outlined above, the variant was classified as pathogenic.

Color Diagnostics, LLC DBA Color Health
Classification: Likely pathogenic for Hereditary cancer-predisposing syndrome. Last evaluated: 2022-01-27. Review status: criteria provided, single submitter. Criteria: ACMG Guidelines, 2015. Collection method: clinical testing. Allele origin: germline.
Comment: This variant causes a G to A nucleotide substitution at the -1 position of intron 3 of the BRCA1 gene. Splice site prediction tools predict that this variant may have a significant impact on RNA splicing. RNA studies have shown that a similar variant c.135-1G>T impacts the splicing of exon 4 that partially encodes the RING domain, which is important for BRCA1 function and is noted to have clinically relevant mutations (PMID: 16211554, 22737296, 30101128). A functional study has reported that this variant impacts BRCA1 function in a haploid cell proliferation assay (PMID: 30209399). This variant has been reported in at least one individual affected with ovarian cancer (PMID: 31341520). Similar mutations at this position, c.135-1G>A and c.135-1G>T, also have been reported in at least 8 individuals affected with breast and ovarian cancer (PMID: 11179017, 16211554, 16683254, 21324516, 25452441, 26541979, 33471991). This variant has not been identified in the general population by the Genome Aggregation Database (gnomAD). Loss of BRCA1 function is a known mechanism of disease. Based on the available evidence, this variant is classified as Likely Pathogenic.

Labcorp Genetics (formerly Invitae), Labcorp
Classification: Pathogenic for Hereditary breast ovarian cancer syndrome. Last evaluated: 2019-01-30. Review status: criteria provided, single submitter. Criteria: Invitae Variant Classification Sherloc (09022015). Collection method: clinical testing. Allele origin: germline.
Comment: For these reasons, this variant has been classified as Pathogenic. Donor and acceptor splice site variants typically lead to a loss of protein function (PMID: 16199547), and loss-of-function variants in BRCA1 are known to be pathogenic (PMID: 20104584). Experimental studies have shown that this variant disrupts mRNA splicing and/or protein function (PMID: 30209399). This variant has not been reported in the literature in individuals with BRCA1-related conditions. ClinVar contains an entry for this variant (Variation ID: 245755). This variant is not present in population databases (ExAC no frequency). This sequence change affects an acceptor splice site in intron 3 of the BRCA1 gene. It is expected to disrupt RNA splicing and likely results in an absent or disrupted protein product.

GeneDx
Classification: Pathogenic. Last evaluated: 2016-10-07. Review status: criteria provided, single submitter. Criteria: GeneDx Variant Classification (06012015). Collection method: clinical testing. Allele origin: germline. Affected: yes.
Comment: This pathogenic variant is denoted BRCA1 c.135-1G>A or IVS3-1G>A and consists of a G>A nucleotide substitution at the -1 position of intron 3 of the BRCA1 gene. The variant destroys a canonical splice acceptor site and is predicted to cause abnormal gene splicing, leading to an abnormal message that is subject to an abnormal protein product. Although this variant has not, to our knowledge, been published in the literature, another variant at this position, BRCA1 c.135-1G>T has been identified in individuals with breast and ovarian cancer and has been shown to result in skipping of exon 4 resulting in an in frame deletion (Shattuck-Eidens 1997, Risch 2001, Tesoriero 2005, Spurdle 2010). Although this deletion does not result in a frameshift, it does result in the loss of the RING finger functional domain (Paul 2014). Therefore, we consider BRCA1 c.135-1G>A to be pathogenic.

Brotman Baty Institute, University of Washington
No classification provided (evidence only). Condition: Breast-ovarian cancer, familial 1. Review status: no classification provided. Collection method: in vitro. Allele origin: not applicable. Functional consequence: functionally_abnormal. Not counted in ClinVar's aggregate classification.
ClinVar note: "not provided" was previously submitted as the classification for the variant. However, the classification appeared to be based only on an observation of functional data so it was converted to no classification on 2025-07-30.

Literature cited by the submitters: PubMed 30209399 (cited by 4 submitters); PubMed 30322717 (cited by Women's Health and Genetics/Laboratory Corporation of America, LabCorp); PubMed 11179017 (cited by Color Diagnostics, LLC DBA Color Health); PubMed 16211554 (cited by Color Diagnostics, LLC DBA Color Health); PubMed 16683254 (cited by Color Diagnostics, LLC DBA Color Health); PubMed 21324516 (cited by Color Diagnostics, LLC DBA Color Health); PubMed 22737296 (cited by Color Diagnostics, LLC DBA Color Health); PubMed 25452441 (cited by Color Diagnostics, LLC DBA Color Health); PubMed 26541979 (cited by Color Diagnostics, LLC DBA Color Health); PubMed 30101128 (cited by Color Diagnostics, LLC DBA Color Health); PubMed 31341520 (cited by Color Diagnostics, LLC DBA Color Health); PubMed 33471991 (cited by Color Diagnostics, LLC DBA Color Health); PubMed 16199547 (cited by Labcorp Genetics (formerly Invitae), Labcorp); PubMed 20104584 (cited by Labcorp Genetics (formerly Invitae), Labcorp).

NM_007294.4(BRCA1):c.135-1G>A

Gene: BRCA1 (BRCA1 DNA repair associated; minus strand). Cytogenetic location: 17q21.31.
Variant type: single nucleotide variant.
Coding change: c.135-1G>A on transcript NM_007294.4 (MANE Select); the canonical splice acceptor site of the intron before coding-DNA position 135, G replaced by A.
Molecular consequence: splice acceptor variant. On other transcripts: intron variant (34).
Genome position (GRCh38, 1-based): chr17:43,106,534, C>T on the plus strand (G>A on the coding strand, the complement: BRCA1 is on the minus strand). VCF-style: chr17-43106534-C-T. GRCh37 (hg19) VCF-style: chr17-41258551-C-T.
Other names: c.-7-1G>A (NM_001407695.1, NM_001407846.1, NM_001407726.1 and 99 more transcripts); c.-54-1G>A (NM_001408513.1, NM_001407899.1, NM_001408507.1 and 58 more transcripts); c.135-1G>A (NM_001407973.1, NM_001407596.1, NM_001408495.1 and 167 more transcripts); c.-218-11674G>A (NM_001407966.1, NM_001407967.1); c.-169-1578G>A (NM_001407963.1, NM_001407960.1, NM_001407965.1 and 4 more transcripts); c.135-1578G>A (NM_001408476.1, NM_001408474.1, NM_001407862.1 and 21 more transcripts); c.81-1578G>A (NM_001408451.1).
Identifiers: ClinVar variation 245755 (VCV000245755.21), dbSNP rs80358158, ClinGen allele CA10584576.